The following is an entry in ClinVar:

NM_003119.4(SPG7):c.347C>G (p.Ser116Trp)

Gene: SPG7 (SPG7 matrix AAA peptidase subunit, paraplegin; plus strand). Cytogenetic location: 16q24.3.
Variant type: single nucleotide variant.
Coding change: c.347C>G on transcript NM_003119.4 (MANE Select); coding-DNA position 347, C replaced by G.
Protein change: p.Ser116Trp; replaces serine 116 with tryptophan.
Molecular consequence: missense variant.
Genome position (GRCh38, 1-based): chr16:89,513,008, C>G. VCF-style: chr16-89513008-C-G. GRCh37 (hg19) VCF-style: chr16-89579416-C-G.
Other names: c.347C>G, p.Ser116Trp (NM_001363850.1, NM_199367.3); short protein forms S116W.
Identifiers: ClinVar variation 2758959 (VCV002758959.3), dbSNP rs149474131, ClinGen allele CA8243528.
Genomic context (GRCh38, chr16:89,513,008, plus strand): 5'-GTGGTACTTTCTATTTTAACACCTCAAGGTTGAAGCAGAAGAATAAGGAGAAGGATAAGT[C>G]GAAGGGGAAGGCGCCTGAAGAGGACGAAGGTATATTCATCTGATGTTCTTCAGTCAGTAG-3'
Protein context (NP_003110.1, residues 106-126): LKQKNKEKDK[Ser116Trp]KGKAPEEDEE

ClinVar aggregate classification (germline): Uncertain significance (1 of 4 stars; one submission).

Conditions:
Hereditary spastic paraplegia 7 (SPG7). Also called: SPG7-related neurologic disorder; Spastic paraplegia 7; Hereditary spastic paraplegia Paraplegin type; Autosomal recessive spastic paraplegia type 7; SPASTIC PARAPLEGIA 7, AUTOSOMAL RECESSIVE, WITH OR WITHOUT CEREBELLAR ATAXIA. Identifiers: Orphanet 99013, MedGen C1846564, MONDO:0011803, OMIM 607259.

Allele frequency attached by ClinVar (database versions not stated): 1000 Genomes Project 30x 0.00016.
gnomAD v4.1: 25 of 1,612,800 alleles (0.0016%); highest among the groups gnomAD compares: Non-Finnish European, 0.0013%; no homozygotes.

Submission:

Labcorp Genetics (formerly Invitae), Labcorp
Classification: Uncertain significance for Hereditary spastic paraplegia 7. Last evaluated: 2023-03-08. Review status: criteria provided, single submitter. Criteria: Invitae Variant Classification Sherloc (09022015). Collection method: clinical testing. Allele origin: germline.
Comment: This sequence change replaces serine, which is neutral and polar, with tryptophan, which is neutral and slightly polar, at codon 116 of the SPG7 protein (p.Ser116Trp). This variant is present in population databases (rs149474131, gnomAD 0.009%). This variant has not been reported in the literature in individuals affected with SPG7-related conditions. Advanced modeling of protein sequence and biophysical properties (such as structural, functional, and spatial information, amino acid conservation, physicochemical variation, residue mobility, and thermodynamic stability) has been performed at Invitae for this missense variant, however the output from this modeling did not meet the statistical confidence thresholds required to predict the impact of this variant on SPG7 protein function. In summary, the available evidence is currently insufficient to determine the role of this variant in disease. Therefore, it has been classified as a Variant of Uncertain Significance.